The following is an entry in ClinVar:

ClinVar aggregate classification (germline): Uncertain significance. Review status: criteria provided, multiple submitters, no conflicts (2 of 4 stars). 2 submissions from 2 submitters: Uncertain significance (2). Last evaluated 2025-02-05.

Conditions:
Inborn genetic diseases. Identifiers: MedGen C0950123, MeSH D030342.

Allele frequency attached by ClinVar (database versions not stated): ExAC 0.00001; gnomAD 0.00001; 1000 Genomes Project 30x 0.00016; 1000 Genomes Project 0.00020.

Submissions (2):

Ambry Genetics
Classification: Uncertain significance for Inborn genetic diseases. Last evaluated: 2025-02-05. Review status: criteria provided, single submitter. Criteria: Ambry Variant Classification Scheme 2023. Collection method: clinical testing. Allele origin: germline.
Comment: The c.1365C>T variant (also known as p.I455I), located in coding exon 5 of the MBD4 gene, results from a C to T substitution at nucleotide position 1365. This nucleotide substitution does not change the amino acid at codon 455. This nucleotide position is poorly conserved in available vertebrate species. In silico splice site analysis predicts that this alteration may weaken the native splice donor site. Based on the available evidence, the clinical significance of this variant remains unclear.

Labcorp Genetics (formerly Invitae), Labcorp
Classification: Uncertain significance. Last evaluated: 2023-12-15. Review status: criteria provided, single submitter. Criteria: Invitae Variant Classification Sherloc (09022015). Collection method: clinical testing. Allele origin: germline.
Comment: This sequence change affects codon 461 of the MBD4 mRNA. It is a 'silent' change, meaning that it does not change the encoded amino acid sequence of the MBD4 protein. This variant is present in population databases (rs201776693, gnomAD 0.006%). This variant has not been reported in the literature in individuals affected with MBD4-related conditions. Algorithms developed to predict the effect of sequence changes on RNA splicing suggest that this variant may disrupt the consensus splice site. In summary, the available evidence is currently insufficient to determine the role of this variant in disease. Therefore, it has been classified as a Variant of Uncertain Significance.

NM_001276270.2(MBD4):c.1365C>T (p.Ile455=)

Gene: MBD4 (methyl-CpG binding domain 4, DNA glycosylase; minus strand). Cytogenetic location: 3q21.3.
Variant type: single nucleotide variant.
Coding change: c.1365C>T on transcript NM_001276270.2 (MANE Select); coding-DNA position 1365, C replaced by T.
Protein change: p.Ile455=; no amino-acid change (isoleucine 455 retained).
Molecular consequence: synonymous variant.
Genome position (GRCh38, 1-based): chr3:129,433,878, G>A on the plus strand (C>T on the coding strand, the complement: MBD4 is on the minus strand). VCF-style: chr3-129433878-G-A. GRCh37 (hg19) VCF-style: chr3-129152721-G-A.
Other names: c.1383C>T, p.Ile461= (NM_001276271.2, NM_001276272.2, NM_003925.3); c.429C>T, p.Ile143= (NM_001276273.2).
Identifiers: ClinVar variation 2869091 (VCV002869091.4), dbSNP rs201776693, ClinGen allele CA2605320.
Genomic context (GRCh38, chr3:129,433,878, plus strand): 5'-TACTAAGACAAAGATGATAATAATCCCCAAACCTGAGGTCCGATTGAGAAATATAGTAGC[G>A]ATGAGAAGCTTCCATGGATCATGAAAAAGTGTTTCTTGAACGAGATTAAAAGGTGACCGA-3'
Protein context (NP_001263199.1, residues 445-465): TLFHDPWKLL[Ile455=]ATIFLNRTSG